The following is an entry in ClinVar:

NM_080424.4(SP110):c.463A>T (p.Arg155Ter)

Genes: SP110 (SP110 nuclear body protein; minus strand), SP140 (SP140 nuclear body protein; plus strand). Cytogenetic location: 2q37.1.
Variant type: single nucleotide variant.
Coding change: c.463A>T on transcript NM_080424.4 (MANE Select); coding-DNA position 463, A replaced by T.
Protein change: p.Arg155Ter; replaces arginine 155 with a stop codon.
Molecular consequence: nonsense.
Genome position (GRCh38, 1-based): chr2:230,212,881, T>A on the plus strand (A>T on the coding strand, the complement: SP110 is on the minus strand). VCF-style: chr2-230212881-T-A. GRCh37 (hg19) VCF-style: chr2-231077596-T-A.
Other names: c.481A>T, p.Arg161Ter (NM_001185015.2, NM_001378442.1, NM_001378444.1 and 2 more transcripts); c.463A>T, p.Arg155Ter (NM_001378443.1, NM_001378447.1, NM_004509.5 and 1 more transcripts); short protein forms R155*, R161*.
Identifiers: ClinVar variation 2024159 (VCV002024159.4), dbSNP rs1441620017, ClinGen allele CA350916617.

ClinVar aggregate classification (germline): Pathogenic (1 of 4 stars; one submission).

Conditions:
Hepatic veno-occlusive disease-immunodeficiency syndrome. Also called: Hepatic Veno-Occlusive Disease with Immunodeficiency. Identifiers: Orphanet 79124, MedGen C1856128, MONDO:0009338, OMIM 235550. Disease mechanism: loss of function.

Submission:

Labcorp Genetics (formerly Invitae), Labcorp
Classification: Pathogenic for Hepatic veno-occlusive disease-immunodeficiency syndrome. Last evaluated: 2022-08-14. Review status: criteria provided, single submitter. Criteria: Invitae Variant Classification Sherloc (09022015). Collection method: clinical testing. Allele origin: germline.
Comment: For these reasons, this variant has been classified as Pathogenic. This variant has not been reported in the literature in individuals affected with SP110-related conditions. This variant is not present in population databases (gnomAD no frequency). This sequence change creates a premature translational stop signal (p.Arg155*) in the SP110 gene. It is expected to result in an absent or disrupted protein product. Loss-of-function variants in SP110 are known to be pathogenic (PMID: 16648851, 22621957).

Literature cited by the submitters: PubMed 16648851; PubMed 22621957.